The following is an entry in ClinVar:

NM_000180.4(GUCY2D):c.1415T>C (p.Leu472Pro)

Gene: GUCY2D (guanylate cyclase 2D, retinal; plus strand). Cytogenetic location: 17p13.1.
Variant type: single nucleotide variant.
Coding change: c.1415T>C on transcript NM_000180.4 (MANE Select); coding-DNA position 1415, T replaced by C.
Protein change: p.Leu472Pro; replaces leucine 472 with proline.
Molecular consequence: missense variant.
Genome position (GRCh38, 1-based): chr17:8,007,096, T>C. VCF-style: chr17-8007096-T-C. GRCh37 (hg19) VCF-style: chr17-7910414-T-C.
Other names: short protein forms L472P.
Identifiers: ClinVar variation 1368744 (VCV001368744.5), dbSNP rs1478819668, ClinGen allele CA397948792.

ClinVar aggregate classification (germline): Uncertain significance (1 of 4 stars; one submission).

Conditions:
Leber congenital amaurosis 1 (LCA1). Also called: Congenital absence of the rods and cones; Leber's congenital tapetoretinal degeneration; Leber's congenital tapetoretinal dysplasia; RETINAL BLINDNESS, CONGENITAL; AMAUROSIS CONGENITA OF LEBER I. Identifiers: Orphanet 65, MedGen C2931258, MONDO:0008764, OMIM 204000.
Cone-rod dystrophy 6 (CORD6). Also called: Cone dystrophy progressive; RETINAL CONE DYSTROPHY 2. Identifiers: Orphanet 1872, MedGen C1866293, MONDO:0011143, OMIM 601777.

Allele frequency attached by ClinVar (database versions not stated): gnomAD exomes below 0.00001 and 0.00001; gnomAD 0.00001; TOPMed 0.00001.
gnomAD v4.1: 8 of 1,614,052 alleles (0.0005%); highest among the groups gnomAD compares: Non-Finnish European, 0.00068%; no homozygotes.

Submission:

Labcorp Genetics (formerly Invitae), Labcorp
Classification: Uncertain significance for Leber congenital amaurosis 1; Cone-rod dystrophy 6. Last evaluated: 2021-08-28. Review status: criteria provided, single submitter. Criteria: Invitae Variant Classification Sherloc (09022015). Collection method: clinical testing. Allele origin: germline.
Comment: This sequence change replaces leucine with proline at codon 472 of the GUCY2D protein (p.Leu472Pro). The leucine residue is highly conserved and there is a moderate physicochemical difference between leucine and proline. This variant is not present in population databases (ExAC no frequency). This variant has not been reported in the literature in individuals affected with GUCY2D-related conditions. Algorithms developed to predict the effect of missense changes on protein structure and function (SIFT, PolyPhen-2, Align-GVGD) all suggest that this variant is likely to be disruptive. In summary, the available evidence is currently insufficient to determine the role of this variant in disease. Therefore, it has been classified as a Variant of Uncertain Significance.